The following is an entry in ClinVar:

ClinVar aggregate classification (germline): Likely benign. Review status: criteria provided, multiple submitters, no conflicts (2 of 4 stars). 3 submissions from 3 submitters: Likely benign (2). 1 of the submissions does not count toward it. Last evaluated 2024-01-18.

Conditions:
PCNT-related disorder. Also called: PCNT-related condition.

Allele frequency attached by ClinVar (database versions not stated): gnomAD exomes 0.00001 and 0.00003; ExAC 0.00002; ESP Exome Variant Server 0.00008; gnomAD 0.00008 and 0.00009; TOPMed 0.00012.
gnomAD v4.1: 31 of 1,614,022 alleles (0.0019%); highest among the groups gnomAD compares: African/African-American, 0.029%; no homozygotes.

Submissions (3):

Labcorp Genetics (formerly Invitae), Labcorp
Classification: Likely benign. Last evaluated: 2024-01-18. Review status: criteria provided, single submitter. Criteria: Invitae Variant Classification Sherloc (09022015). Collection method: clinical testing. Allele origin: germline.

Blueprint Genetics
Classification: Likely benign. Last evaluated: 2023-12-05. Review status: criteria provided, single submitter. Criteria: ACMG Guidelines, 2015. Collection method: clinical testing. Allele origin: germline.

PreventionGenetics, part of Exact Sciences
Classification: Likely benign for PCNT-related condition. Last evaluated: 2022-10-11. Review status: no assertion criteria provided. Collection method: clinical testing. Allele origin: germline. Not counted in ClinVar's aggregate classification.
Comment: This variant is classified as likely benign based on ACMG/AMP sequence variant interpretation guidelines (Richards et al. 2015 PMID: 25741868, with internal and published modifications).

NM_006031.6(PCNT):c.5079C>T (p.Ser1693=)

Gene: PCNT (pericentrin; plus strand). Cytogenetic location: 21q22.3.
Variant type: single nucleotide variant.
Coding change: c.5079C>T on transcript NM_006031.6 (MANE Select); coding-DNA position 5079, C replaced by T.
Protein change: p.Ser1693=; no amino-acid change (serine 1693 retained).
Molecular consequence: synonymous variant.
Genome position (GRCh38, 1-based): chr21:46,402,447, C>T. VCF-style: chr21-46402447-C-T. GRCh37 (hg19) VCF-style: chr21-47822361-C-T.
Other names: c.5079C>T (NM_006031.5); c.4725C>T, p.Ser1575= (NM_001315529.2).
Identifiers: ClinVar variation 1616537 (VCV001616537.12), dbSNP rs377039885, ClinGen allele CA10079874.